The following is an entry in ClinVar:

ClinVar aggregate classification (germline): Uncertain significance (1 of 4 stars; one submission).

Submission:

Women's Health and Genetics/Laboratory Corporation of America, LabCorp
Classification: Uncertain significance. Last evaluated: 2025-03-10. Review status: criteria provided, single submitter. Criteria: LabCorp Variant Classification Summary - May 2015. Collection method: clinical testing. Allele origin: germline.
Comment: Variant summary: SHOX c.422A>G (p.Tyr141Cys) results in a non-conservative amino acid change in the encoded protein sequence. Four of five in-silico tools predict a damaging effect of the variant on protein function. The variant was absent in 239362 control chromosomes. The available data on variant occurrences in the general population are insufficient to allow any conclusion about variant significance. To our knowledge, no occurrence of c.422A>G in individuals affected with Langer Mesomelic Dysplasia and no experimental evidence demonstrating its impact on protein function have been reported. No submitters have cited clinical-significance assessments for this variant to ClinVar. Based on the evidence outlined above, the variant was classified as uncertain significance.

NM_000451.4(SHOX):c.422A>G (p.Tyr141Cys)

Genes: SHOX (SHOX homeobox; plus strand), LOC107652445 (meiotic recombination hotspot SHOX; plus strand). Cytogenetic location: Xp22.33.
Variant type: single nucleotide variant.
Coding change: c.422A>G on transcript NM_000451.4 (MANE Select); coding-DNA position 422, A replaced by G.
Protein change: p.Tyr141Cys; replaces tyrosine 141 with cysteine.
Molecular consequence: missense variant.
Genome position (GRCh38, 1-based): chrX:634,762, A>G. VCF-style: chrX-634762-A-G. GRCh37 (hg19) VCF-style: chrX-595497-A-G.
Other names: c.422A>G, p.Tyr141Cys (NM_006883.2); short protein forms Y141C.
Identifiers: ClinVar variation 3895748 (VCV003895748.1).